The following is an entry in ClinVar:

ClinVar aggregate classification (germline): Conflicting classifications of pathogenicity. Review status: criteria provided, conflicting classifications (1 of 4 stars). 5 submissions from 5 submitters: Uncertain significance (1); Benign (1); Likely benign (3). Last evaluated 2025-05-25.

Conditions:
Familial thoracic aortic aneurysm and aortic dissection (TAAD). Also called: Thoracic aortic aneurysms and dissections. Identifiers: Orphanet 91387, MedGen C4707243, MONDO:0019625.
Hereditary cancer-predisposing syndrome. Also called: Neoplastic Syndromes, Hereditary; Hereditary neoplastic syndrome; Hereditary Cancer Syndrome; Tumor predisposition. Identifiers: Orphanet 140162, MedGen C0027672, MeSH D009386, MONDO:0015356.
Juvenile polyposis syndrome (JPS). Identifiers: Orphanet 2929, MedGen C0345893, MONDO:0017380, OMIM 174900.
Juvenile polyposis/hereditary hemorrhagic telangiectasia syndrome (JPHT). Also called: JP/HHT SYNDROME; JUVENILE POLYPOSIS WITH HEREDITARY HEMORRHAGIC TELANGIECTASIA; POLYPOSIS, GENERALIZED JUVENILE, WITH PULMONARY ARTERIOVENOUS MALFORMATION; TELANGIECTASIA, HEREDITARY HEMORRHAGIC, WITH JUVENILE POLYPOSIS COLI; Juvenile Polyposis Syndrome / Hereditary Hemorrhagic Telangiectasia (JPS/HHT). Identifiers: Orphanet 2929, MedGen C1832942, MONDO:0008278, OMIM 175050.

Allele frequency attached by ClinVar (database versions not stated): gnomAD exomes 0.00001 and below 0.00001; gnomAD 0.00001.
gnomAD v4.1: 2 of 1,613,020 alleles (0.00012%); highest among the groups gnomAD compares: Middle Eastern, 0.017%; no homozygotes.

Submissions (5):

Labcorp Genetics (formerly Invitae), Labcorp
Classification: Likely benign for Juvenile polyposis syndrome. Last evaluated: 2025-05-25. Review status: criteria provided, single submitter. Criteria: Invitae Variant Classification Sherloc (09022015). Collection method: clinical testing. Allele origin: germline.

Myriad Genetics, Inc.
Classification: Benign for Juvenile polyposis/hereditary hemorrhagic telangiectasia syndrome. Last evaluated: 2025-03-20. Review status: criteria provided, single submitter. Criteria: Myriad Autosomal Dominant, Autosomal Recessive and X-Linked Classification Criteria (2023). Collection method: clinical testing. Allele origin: unknown.
Comment: This variant is considered benign. This variant is a silent/synonymous amino acid change and it is not expected to impact splicing.

GeneDx
Classification: Uncertain significance. Last evaluated: 2022-09-23. Review status: criteria provided, single submitter. Criteria: GeneDx Variant Classification Process June 2021. Collection method: clinical testing. Allele origin: germline. Affected: yes.
Comment: Not observed at significant frequency in large population cohorts (gnomAD); In silico analysis supports that this variant does not alter splicing; Has not been previously published as pathogenic or benign to our knowledge

Ambry Genetics
Classification: Likely benign for Hereditary cancer-predisposing syndrome; Familial thoracic aortic aneurysm and aortic dissection. Last evaluated: 2020-11-25. Review status: criteria provided, single submitter. Criteria: Ambry Variant Classification Scheme 2023. Collection method: clinical testing. Allele origin: germline.

Women's Health and Genetics/Laboratory Corporation of America, LabCorp
Classification: Likely benign. Last evaluated: 2019-12-20. Review status: criteria provided, single submitter. Criteria: LabCorp Variant Classification Summary - May 2015. Collection method: clinical testing. Allele origin: germline.

NM_005359.6(SMAD4):c.960T>C (p.Pro320=)

Gene: SMAD4 (SMAD family member 4; plus strand). Cytogenetic location: 18q21.2.
Variant type: single nucleotide variant.
Coding change: c.960T>C on transcript NM_005359.6 (MANE Select); coding-DNA position 960, T replaced by C.
Protein change: p.Pro320=; no amino-acid change (proline 320 retained).
Molecular consequence: synonymous variant.
Genome position (GRCh38, 1-based): chr18:51,065,427, T>C. VCF-style: chr18-51065427-T-C. GRCh37 (hg19) VCF-style: chr18-48591797-T-C.
Identifiers: ClinVar variation 792705 (VCV000792705.15), dbSNP rs1568208159, ClinGen allele CA503874084.
Genomic context (GRCh38, chr18:51,065,427, plus strand): 5'-TGAAAGCCTTATATCTTTCTCATGGGAGGATGTTCTTTCCCATTTATTTCCTATAGCTCC[T>C]GAGTATTGGTGTTCCATTGCTTACTTTGAAATGGATGTTCAGGTAGGAGAGACATTTAAG-3'
Protein context (NP_005350.1, residues 310-330): FQPPISNHPA[Pro320=]EYWCSIAYFE